The following is an entry in ClinVar:

NM_020433.5(JPH2):c.1402G>A (p.Glu468Lys)

Gene: JPH2 (junctophilin 2; minus strand). Cytogenetic location: 20q13.12.
Variant type: single nucleotide variant.
Coding change: c.1402G>A on transcript NM_020433.5 (MANE Select); coding-DNA position 1402, G replaced by A.
Protein change: p.Glu468Lys; replaces glutamic acid 468 with lysine.
Molecular consequence: missense variant.
Genome position (GRCh38, 1-based): chr20:44,116,273, C>T on the plus strand (G>A on the coding strand, the complement: JPH2 is on the minus strand). VCF-style: chr20-44116273-C-T. GRCh37 (hg19) VCF-style: chr20-42744913-C-T.
Other names: short protein forms E468K.
Identifiers: ClinVar variation 1771845 (VCV001771845.3), dbSNP rs952605949, ClinGen allele CA409100705.
Genomic context (GRCh38, chr20:44,116,273, plus strand): 5'-CCGGTGACGGGGAGCCACCCTCGGGCCGAGGGGTCTCACGCTCGTGCAGCTGCGGGCTCT[C>T]GCGGGGCGGCTGTGGGAGGCCCGCTGCGCCGGCGCCCCGGTCGGGGGGCTCCAGCAGGCT-3'
Protein context (NP_065166.2, residues 458-478): GAAGLPQPPR[Glu468Lys]SPQLHERETP

ClinVar aggregate classification (germline): Uncertain significance (1 of 4 stars; one submission).

Conditions:
Cardiovascular phenotype. Identifiers: MedGen CN230736.

Allele frequency attached by ClinVar (database versions not stated): gnomAD exomes below 0.00001.
gnomAD v4.1: 2 of 1,529,312 alleles (0.00013%); highest among the groups gnomAD compares: East Asian, 0.0025%; no homozygotes.

Submission:

Ambry Genetics
Classification: Uncertain significance for Cardiovascular phenotype. Last evaluated: 2024-09-23. Review status: criteria provided, single submitter. Criteria: Ambry Variant Classification Scheme 2023. Collection method: clinical testing. Allele origin: germline.
Comment: The p.E468K variant (also known as c.1402G>A), located in coding exon 4 of the JPH2 gene, results from a G to A substitution at nucleotide position 1402. The glutamic acid at codon 468 is replaced by lysine, an amino acid with similar properties. This amino acid position is highly conserved in available vertebrate species. In addition, this alteration is predicted to be tolerated by in silico analysis. Since supporting evidence is limited at this time, the clinical significance of this alteration remains unclear.